The following is an entry in ClinVar:

NM_016277.5(RAB23):c.123C>T (p.Thr41=)

Gene: RAB23 (RAB23, member RAS oncogene family; minus strand). Cytogenetic location: 6p11.2.
Variant type: single nucleotide variant.
Coding change: c.123C>T on transcript NM_016277.5 (MANE Select); coding-DNA position 123, C replaced by T.
Protein change: p.Thr41=; no amino-acid change (threonine 41 retained).
Molecular consequence: synonymous variant. On other transcripts: non-coding transcript variant (1).
Genome position (GRCh38, 1-based): chr6:57,210,258, G>A on the plus strand (C>T on the coding strand, the complement: RAB23 is on the minus strand). VCF-style: chr6-57210258-G-A. GRCh37 (hg19) VCF-style: chr6-57075056-G-A.
Other names: c.123C>T, p.Thr41= (NM_001278666.2, NM_001278667.2, NM_001278668.2 and 1 more transcripts).
Identifiers: ClinVar variation 908658 (VCV000908658.14), dbSNP rs759408401, ClinGen allele CA3873920.
Genomic context (GRCh38, chr6:57,210,258, plus strand): 5'-CAAAGGAATAAAATGGCCAAGTACTTACTGAATTTGTCGCTCCAAAAAATCAACTCCAAT[G>A]GTTTTCTTGTAGTCTTTTGTAAAAATGCCTTTGCAATATCGCTGAATCATACTTGATTTT-3'
Protein context (NP_057361.3, residues 31-51): KGIFTKDYKK[Thr41=]IGVDFLERQI

ClinVar aggregate classification (germline): Conflicting classifications of pathogenicity. Review status: criteria provided, conflicting classifications (1 of 4 stars). 3 submissions from 3 submitters: Uncertain significance (1); Likely benign (1). 1 of the submissions does not count toward it. Last evaluated 2024-12-19.

Conditions:
RAB23-related disorder. Also called: RAB23-related condition.
Carpenter syndrome. Identifiers: Orphanet 65759, MedGen C1275078, MONDO:0019012.
RAB23-related Carpenter syndrome. Also called: ACPS II; Carpenter syndrome 1. Identifiers: Orphanet 65759, MedGen C4551510, MONDO:0008710, OMIM 201000.

Allele frequency attached by ClinVar (database versions not stated): gnomAD exomes 0.00008 and 0.00004; ExAC 0.00002; gnomAD 0.00005; TOPMed 0.00005.
gnomAD v4.1: 119 of 1,613,862 alleles (0.0074%); highest among the groups gnomAD compares: Non-Finnish European, 0.0094%; no homozygotes.

Submissions (3):

Labcorp Genetics (formerly Invitae), Labcorp
Classification: Likely benign for Carpenter syndrome. Last evaluated: 2024-12-19. Review status: criteria provided, single submitter. Criteria: Invitae Variant Classification Sherloc (09022015). Collection method: clinical testing. Allele origin: germline.

Illumina Laboratory Services, Illumina
Classification: Uncertain significance for RAB23-related Carpenter syndrome. Last evaluated: 2018-01-12. Review status: criteria provided, single submitter. Criteria: ICSL Variant Classification Criteria 13 December 2019. Collection method: clinical testing. Allele origin: germline.

PreventionGenetics, part of Exact Sciences
Classification: Likely benign for RAB23-related condition. Last evaluated: 2020-07-02. Review status: no assertion criteria provided. Collection method: clinical testing. Allele origin: germline. Not counted in ClinVar's aggregate classification.
Comment: This variant is classified as likely benign based on ACMG/AMP sequence variant interpretation guidelines (Richards et al. 2015 PMID: 25741868, with internal and published modifications).